The following is an entry in ClinVar:

ClinVar aggregate classification (germline): Likely pathogenic. Review status: criteria provided, multiple submitters, no conflicts (2 of 4 stars). 2 submissions from 2 submitters: Likely pathogenic (2). Last evaluated 2025-06-09.

Conditions:
Inborn genetic diseases. Identifiers: MedGen C0950123, MeSH D030342.

Submissions (2):

Ambry Genetics
Classification: Likely pathogenic for Inborn genetic diseases. Last evaluated: 2025-06-09. Review status: criteria provided, single submitter. Criteria: Ambry Variant Classification Scheme 2023. Collection method: clinical testing. Allele origin: germline.
Comment: The c.1544-2A>G intronic variant results from an A to G substitution two nucleotides upstream from coding exon 7 in the MBD4 gene. This alteration occurs at the 3' terminus of the MBD4 gene, is not expected to trigger nonsense-mediated mRNA decay, and only impacts the last 10.6% of the protein. The exact functional effect of this alteration is unknown; however, a significant portion of the protein is affected (Ambry internal data). Another variant impacting the same acceptor site (c.1544-1G>T, also described as c.1562-1G>T) have been identified in individuals with features consistent with MBD4-associated neoplasia syndrome (Sanders MA et al. Blood, 2018 Oct;132:1526-1534; Palles C et al. Am J Hum Genet, 2022 May;109:953-960). This variant is considered to be rare based on population cohorts in the Genome Aggregation Database (gnomAD). This nucleotide position is highly conserved in available vertebrate species. In silico splice site analysis predicts that this alteration will weaken the native splice acceptor site. RNA studies have demonstrated that this alteration results in abnormal splicing in the set of samples tested (Ambry internal data). Based on the majority of available evidence to date, this variant is likely to be pathogenic.

Labcorp Genetics (formerly Invitae), Labcorp
Classification: Likely pathogenic. Last evaluated: 2024-04-25. Review status: criteria provided, single submitter. Criteria: Invitae Variant Classification Sherloc (09022015). Collection method: clinical testing. Allele origin: germline.
Comment: This sequence change affects an acceptor splice site in intron 6 of the MBD4 gene. It is expected to disrupt RNA splicing. Variants that disrupt the donor or acceptor splice site typically lead to a loss of protein function (PMID: 16199547), and loss-of-function variants in MBD4 are known to be pathogenic (PMID: 30049810, 35460607). This variant is not present in population databases (gnomAD no frequency). Disruption of this splice site has been observed in individual(s) with clinical features of MBD4-associated neoplasia syndrome (PMID: 35460607). Algorithms developed to predict the effect of sequence changes on RNA splicing suggest that this variant may disrupt the consensus splice site. In summary, the currently available evidence indicates that the variant is pathogenic, but additional data are needed to prove that conclusively. Therefore, this variant has been classified as Likely Pathogenic.

Literature cited by the submitters: PubMed 16199547 (cited by Labcorp Genetics (formerly Invitae), Labcorp); PubMed 30049810 (cited by Labcorp Genetics (formerly Invitae), Labcorp); PubMed 35460607 (cited by Labcorp Genetics (formerly Invitae), Labcorp).

NM_001276270.2(MBD4):c.1544-2A>G

Gene: MBD4 (methyl-CpG binding domain 4, DNA glycosylase; minus strand). Cytogenetic location: 3q21.3.
Variant type: single nucleotide variant.
Coding change: c.1544-2A>G on transcript NM_001276270.2 (MANE Select); the canonical splice acceptor site of the intron before coding-DNA position 1544, A replaced by G.
Molecular consequence: splice acceptor variant.
Genome position (GRCh38, 1-based): chr3:129,432,608, T>C on the plus strand (A>G on the coding strand, the complement: MBD4 is on the minus strand). VCF-style: chr3-129432608-T-C. GRCh37 (hg19) VCF-style: chr3-129151451-T-C.
Other names: c.608-2A>G (NM_001276273.2); c.1562-2A>G (NM_001276272.2, NM_003925.3, NM_001276271.2).
Identifiers: ClinVar variation 3651036 (VCV003651036.3).